The following is an entry in ClinVar:

NC_000021.9:g.43403420G>A

Gene: SIK1 (salt inducible kinase 1; minus strand). Cytogenetic location: 21q22.3.
Variant type: single nucleotide variant.
Genome position: GRCh38 VCF-style: chr21-43403420-G-A. GRCh37 (hg19) VCF-style: chr21-44823300-G-A.
Identifiers: ClinVar variation 1879543 (VCV001879543.29), dbSNP rs151023789, ClinGen allele CA321320026.
Genomic context (GRCh38, chr21:43,403,420, plus strand): 5'-CAGAGGGTGACCCCACAGCACTGTGGCCCAGAACACGCGAAGGCAAGCTTCACCCGACTC[G>A]GACCACTGCTACCGACCGTGGCCAGCCCACATCACTGGAGCCCGGGCTCTTTCCCCCGAC-3'

ClinVar aggregate classification (germline): Likely benign (1 of 4 stars; one submission).

Allele frequency attached by ClinVar (database versions not stated): 1000 Genomes Project 0.00200.

Submission:

CeGaT Center for Human Genetics Tuebingen
Classification: Likely benign. Last evaluated: 2023-05-01. Review status: criteria provided, single submitter. Criteria: CeGaT Center For Human Genetics Tuebingen Variant Classification Criteria Version 2. Collection method: clinical testing. Allele origin: germline. Affected: yes. Observed: 7 variant alleles.
Comment: SIK1: BS2